The following is an entry in ClinVar:

NM_000548.5(TSC2):c.363C>T (p.Ala121=)

Gene: TSC2 (TSC complex subunit 2; plus strand). Cytogenetic location: 16p13.3.
Variant type: single nucleotide variant.
Coding change: c.363C>T on transcript NM_000548.5 (MANE Select); coding-DNA position 363, C replaced by T.
Protein change: p.Ala121=; no amino-acid change (alanine 121 retained).
Molecular consequence: synonymous variant. On other transcripts: intron variant (1).
Genome position (GRCh38, 1-based): chr16:2,054,322, C>T. VCF-style: chr16-2054322-C-T. GRCh37 (hg19) VCF-style: chr16-2104323-C-T.
Other names: c.363C>T (NM_000548.4); c.363C>T, p.Ala121= (NM_001077183.3, NM_001114382.3, NM_001363528.2 and 3 more transcripts); c.252C>T, p.Ala84= (NM_001318827.2); c.216C>T, p.Ala72= (NM_001318829.2); c.396C>T, p.Ala132= (NM_001318832.2); c.-1-1874C>T (NM_001318831.2).
Identifiers: ClinVar variation 49530 (VCV000049530.58), dbSNP rs45517106, ClinGen allele CA019425.

ClinVar aggregate classification (germline): Benign/Likely benign. Review status: criteria provided, multiple submitters, no conflicts (2 of 4 stars). 12 submissions from 12 submitters: Benign (5); Likely benign (6). 1 of the submissions does not count toward it. Last evaluated 2026-02-01.

Conditions:
Hereditary cancer-predisposing syndrome. Also called: Hereditary Cancer Syndrome; Tumor predisposition; Neoplastic Syndromes, Hereditary; Hereditary neoplastic syndrome. Identifiers: Orphanet 140162, MedGen C0027672, MeSH D009386, MONDO:0015356.
Tuberous sclerosis syndrome (TSC). Also called: Tuberous Sclerosis Complex; Tuberous sclerosis. Identifiers: Orphanet 805, MedGen C0041341, MONDO:0001734.
Tuberous sclerosis 2 (TSC2). Identifiers: Orphanet 805, MedGen C1860707, MONDO:0013199, OMIM 613254.

Allele frequency attached by ClinVar (database versions not stated): gnomAD 0.00006; TOPMed 0.00009; gnomAD exomes 0.00013 and 0.00005; ExAC 0.00014; 1000 Genomes Project 30x 0.00016; 1000 Genomes Project 0.00020; ESP Exome Variant Server 0.00023.
gnomAD v4.1: 88 of 1,614,190 alleles (0.0055%); highest among the groups gnomAD compares: Middle Eastern, 0.066%; no homozygotes.

Submissions (12):

Labcorp Genetics (formerly Invitae), Labcorp
Classification: Benign for Tuberous sclerosis 2. Last evaluated: 2026-02-01. Review status: criteria provided, single submitter. Criteria: Invitae Variant Classification Sherloc (09022015). Collection method: clinical testing. Allele origin: germline.

Myriad Genetics, Inc.
Classification: Benign for Tuberous sclerosis 2. Last evaluated: 2025-05-02. Review status: criteria provided, single submitter. Criteria: Myriad Autosomal Dominant, Autosomal Recessive and X-Linked Classification Criteria (2023). Collection method: clinical testing. Allele origin: unknown.
Comment: This variant is considered benign. This variant is a silent/synonymous amino acid change and it is not expected to impact splicing.

Blueprint Genetics
Classification: Likely benign. Last evaluated: 2024-05-27. Review status: criteria provided, single submitter. Criteria: ACMG Guidelines, 2015. Collection method: clinical testing. Allele origin: germline.

CeGaT Center for Human Genetics Tuebingen
Classification: Likely benign. Last evaluated: 2024-03-01. Review status: criteria provided, single submitter. Criteria: CeGaT Center For Human Genetics Tuebingen Variant Classification Criteria Version 2. Collection method: clinical testing. Allele origin: germline. Affected: yes. Observed: 3 variant alleles.
Comment: TSC2: BS1

All of Us Research Program, National Institutes of Health
Classification: Likely benign for Tuberous sclerosis syndrome. Last evaluated: 2024-01-11. Review status: criteria provided, single submitter. Criteria: ACMG Guidelines, 2015. Collection method: clinical testing. Allele origin: germline. Inheritance: Autosomal dominant inheritance. Observed: 29 variant alleles, 29 heterozygotes.
Comment: This study involves interpretation of variants in research participants for the purpose of population health screening. Participant phenotype was not available at the time of variant classification. Additional details can be found in publication PMID: 35346344, PMCID: PMC8962531

KCCC/NGS Laboratory, Kuwait Cancer Control Center
Classification: Likely benign for Tuberous sclerosis 2. Last evaluated: 2023-07-07. Review status: criteria provided, single submitter. Criteria: ACMG Guidelines, 2015. Collection method: clinical testing. Allele origin: germline. Affected: yes.

Color Diagnostics, LLC DBA Color Health
Classification: Likely benign for Tuberous sclerosis syndrome. Last evaluated: 2022-09-12. Review status: criteria provided, single submitter. Criteria: ACMG Guidelines, 2015. Collection method: clinical testing. Allele origin: germline.

Genome-Nilou Lab
Classification: Benign for Tuberous sclerosis 2. Last evaluated: 2021-11-07. Review status: criteria provided, single submitter. Criteria: ACMG Guidelines, 2015. Collection method: clinical testing. Allele origin: germline. Affected: no.

Sema4
Classification: Benign for Hereditary cancer-predisposing syndrome. Last evaluated: 2020-05-14. Review status: criteria provided, single submitter. Criteria: Sema4 Curation Guidelines. Collection method: curation. Allele origin: germline.

GeneDx
Classification: Benign. Last evaluated: 2015-03-03. Review status: criteria provided, single submitter. Criteria: GeneDx Variant Classification Process June 2021. Collection method: clinical testing. Allele origin: germline. Affected: yes.

Ambry Genetics
Classification: Likely benign for Hereditary cancer-predisposing syndrome. Last evaluated: 2014-10-15. Review status: criteria provided, single submitter. Criteria: Ambry Variant Classification Scheme 2023. Collection method: clinical testing. Allele origin: germline.

Tuberous sclerosis database (TSC2)
No classification provided. Condition: TSC. Review status: no classification provided. Criteria: Tuberous Sclerosis Database Assertion Criteria 2015. Collection method: curation. Allele origin: germline. Affected: yes. Not counted in ClinVar's aggregate classification.